The following is an entry in ClinVar:

ClinVar aggregate classification (germline): Conflicting classifications of pathogenicity. Review status: criteria provided, conflicting classifications (1 of 4 stars). 4 submissions from 4 submitters: Pathogenic (1); Likely pathogenic (1); Uncertain significance (1). 1 of the submissions does not count toward it. Last evaluated 2025-02-16.

Conditions:
Spastic paraplegia. Identifiers: MedGen C0037772, HP:0001258.
Hereditary spastic paraplegia 5A (SPG5A). Also called: SPASTIC PARAPLEGIA 5A, AUTOSOMAL RECESSIVE. Identifiers: Orphanet 100986, MedGen C1849115, MONDO:0010047, OMIM 270800.

Allele frequency attached by ClinVar (database versions not stated): ExAC 0.00001; gnomAD 0.00001; TOPMed 0.00001.
gnomAD v4.1: 35 of 1,613,544 alleles (0.0022%); highest among the groups gnomAD compares: Non-Finnish European, 0.0029%; no homozygotes.

Submissions (4):

Laboratory of Genetics, Children's Clinical University Hospital Latvia
Classification: Likely pathogenic. Last evaluated: 2025-02-16. Review status: criteria provided, single submitter. Criteria: ACMG Guidelines, 2015. Collection method: clinical testing. Allele origin: germline. Affected: yes.

Labcorp Genetics (formerly Invitae), Labcorp
Classification: Uncertain significance for Spastic paraplegia. Last evaluated: 2021-08-27. Review status: criteria provided, single submitter. Criteria: Invitae Variant Classification Sherloc (09022015). Collection method: clinical testing. Allele origin: germline.
Comment: This sequence change replaces serine with asparagine at codon 354 of the CYP7B1 protein (p.Ser354Asn). The serine residue is highly conserved and there is a small physicochemical difference between serine and asparagine. This variant is present in population databases (rs753708048, ExAC 0.002%). This variant has not been reported in the literature in individuals affected with CYP7B1-related conditions. Algorithms developed to predict the effect of missense changes on protein structure and function are either unavailable or do not agree on the potential impact of this missense change (SIFT: "Deleterious"; PolyPhen-2: "Probably Damaging"; Align-GVGD: "Class C0"). In summary, the available evidence is currently insufficient to determine the role of this variant in disease. Therefore, it has been classified as a Variant of Uncertain Significance.

Paris Brain Institute, Inserm - ICM
Classification: Pathogenic for Hereditary spastic paraplegia 5A. Review status: criteria provided, single submitter. Criteria: ACMG Guidelines, 2015. Collection method: clinical testing. Allele origin: unknown. Affected: yes. Observed: 1 variant allele.

Institute of Human Genetics, University of Goettingen
Classification: Uncertain significance for Hereditary spastic paraplegia 5A. Last evaluated: 2019-04-01. Review status: no assertion criteria provided. Collection method: clinical testing. Allele origin: germline. Affected: yes. Observed: 1 heterozygote. Not counted in ClinVar's aggregate classification.

NM_004820.5(CYP7B1):c.1061G>A (p.Ser354Asn)

Gene: CYP7B1 (cytochrome P450 family 7 subfamily B member 1; minus strand). Cytogenetic location: 8q12.3.
Variant type: single nucleotide variant.
Coding change: c.1061G>A on transcript NM_004820.5 (MANE Select); coding-DNA position 1061, G replaced by A.
Protein change: p.Ser354Asn; replaces serine 354 with asparagine.
Molecular consequence: missense variant.
Genome position (GRCh38, 1-based): chr8:64,604,854, C>T on the plus strand (G>A on the coding strand, the complement: CYP7B1 is on the minus strand). VCF-style: chr8-64604854-C-T. GRCh37 (hg19) VCF-style: chr8-65517411-C-T.
Other names: c.1061G>A, p.Ser354Asn (NM_001324112.2); short protein forms S354N.
Identifiers: ClinVar variation 989027 (VCV000989027.11), dbSNP rs753708048, ClinGen allele CA4764059.
Genomic context (GRCh38, chr8:64,604,854, plus strand): 5'-TCCTCAACAAAACGAATGGTGGTTGAATATGAGGACAGTCGTAAAGCTTCAAAAATGCTG[C>T]TTTCTGAAGGAAAAAAACAAACGATAGCTTATTAAGATAGGGCTGGTCCTGAAAACTGCT-3'
Protein context (NP_004811.1, residues 344-364): EQLDSLICLE[Ser354Asn]SIFEALRLSS